The following is an entry in ClinVar:

NM_001330260.2(SCN8A):c.3083C>G (p.Ala1028Gly)

Gene: SCN8A (sodium voltage-gated channel alpha subunit 8; plus strand). Cytogenetic location: 12q13.13.
Variant type: single nucleotide variant.
Coding change: c.3083C>G on transcript NM_001330260.2 (MANE Select); coding-DNA position 3083, C replaced by G.
Protein change: p.Ala1028Gly; replaces alanine 1028 with glycine.
Molecular consequence: missense variant.
Genome position (GRCh38, 1-based): chr12:51,769,046, C>G. VCF-style: chr12-51769046-C-G. GRCh37 (hg19) VCF-style: chr12-52162830-C-G.
Other names: c.3083C>G, p.Ala1028Gly (NM_001177984.3, NM_001369788.1, NM_014191.4); short protein forms A1028G.
Identifiers: ClinVar variation 1039971 (VCV001039971.11), dbSNP rs1942881418, ClinGen allele CA384892346.

ClinVar aggregate classification (germline): Uncertain significance (1 of 4 stars; one submission).

Conditions:
Early-infantile DEE. Also called: Ohtahara syndrome; Early infantile epileptic encephalopathy with suppression bursts; Early infantile epileptic encephalopathy. Identifiers: Orphanet 1934, MedGen C0393706, MONDO:0800491.

Submission:

Labcorp Genetics (formerly Invitae), Labcorp
Classification: Uncertain significance for Early-infantile DEE. Last evaluated: 2022-06-20. Review status: criteria provided, single submitter. Criteria: Invitae Variant Classification Sherloc (09022015). Collection method: clinical testing. Allele origin: germline.
Comment: ClinVar contains an entry for this variant (Variation ID: 1039971). Algorithms developed to predict the effect of missense changes on protein structure and function output the following: SIFT: "Deleterious"; PolyPhen-2: "Benign"; Align-GVGD: "Class C0". The glycine amino acid residue is found in multiple mammalian species, which suggests that this missense change does not adversely affect protein function. Algorithms developed to predict the effect of sequence changes on RNA splicing suggest that this variant may create or strengthen a splice site. In summary, the available evidence is currently insufficient to determine the role of this variant in disease. Therefore, it has been classified as a Variant of Uncertain Significance. This variant has not been reported in the literature in individuals affected with SCN8A-related conditions. This sequence change replaces alanine, which is neutral and non-polar, with glycine, which is neutral and non-polar, at codon 1028 of the SCN8A protein (p.Ala1028Gly). This variant is not present in population databases (gnomAD no frequency).